The following is an entry in ClinVar:

NM_002532.6(NUP88):c.1836-10A>G

Gene: NUP88 (nucleoporin 88; minus strand). Cytogenetic location: 17p13.2.
Variant type: single nucleotide variant.
Coding change: c.1836-10A>G on transcript NM_002532.6 (MANE Select); 10 bases into the intron before coding-DNA position 1836, A replaced by G.
Molecular consequence: intron variant.
Genome position (GRCh38, 1-based): chr17:5,387,476, T>C on the plus strand (A>G on the coding strand, the complement: NUP88 is on the minus strand). VCF-style: chr17-5387476-T-C. GRCh37 (hg19) VCF-style: chr17-5290796-T-C.
Other names: c.1884-10A>G (NM_001320653.2).
Identifiers: ClinVar variation 3037544 (VCV003037544.2), dbSNP rs370741484, ClinGen allele CA8324075.

ClinVar aggregate classification (germline): Likely benign (0 of 4 stars; one submission).

Conditions:
NUP88-related disorder. Also called: NUP88-related condition.

Allele frequency attached by ClinVar (database versions not stated): 1000 Genomes Project 0.00120; TOPMed 0.00001; gnomAD 0.00010; gnomAD exomes 0.00030; ExAC 0.00063; 1000 Genomes Project 30x 0.00094.
gnomAD v4.1: 451 of 1,613,724 alleles (0.028%); highest among the groups gnomAD compares: South Asian, 0.48%; 4 homozygotes.

Submission:

PreventionGenetics, part of Exact Sciences
Classification: Likely benign for NUP88-related condition. Last evaluated: 2019-05-16. Review status: no assertion criteria provided. Collection method: clinical testing. Allele origin: germline.
Comment: This variant is classified as likely benign based on ACMG/AMP sequence variant interpretation guidelines (Richards et al. 2015 PMID: 25741868, with internal and published modifications).